The following is an entry in ClinVar:

NC_000015.10:g.84817205G>A

Gene: ALPK3 (alpha kinase 3; plus strand). Cytogenetic location: 15q25.3.
Variant type: single nucleotide variant.
Genome position: GRCh38 VCF-style: chr15-84817205-G-A. GRCh37 (hg19) VCF-style: chr15-85360436-G-A.
Identifiers: ClinVar variation 3726245 (VCV003726245.2).

ClinVar aggregate classification (germline): Uncertain significance (1 of 4 stars; one submission).

Submission:

Labcorp Genetics (formerly Invitae), Labcorp
Classification: Uncertain significance. Last evaluated: 2024-11-27. Review status: criteria provided, single submitter. Criteria: Invitae Variant Classification Sherloc (09022015). Collection method: clinical testing. Allele origin: germline.
Comment: This sequence change replaces glycine, which is neutral and non-polar, with glutamic acid, which is acidic and polar, at codon 120 of the ALPK3 protein (p.Gly120Glu). This variant is not present in population databases (gnomAD no frequency). This variant has not been reported in the literature in individuals affected with ALPK3-related conditions. An algorithm developed to predict the effect of missense changes on protein structure and function (PolyPhen-2) suggests that this variant is likely to be disruptive. In summary, the available evidence is currently insufficient to determine the role of this variant in disease. Therefore, it has been classified as a Variant of Uncertain Significance.